The following is an entry in ClinVar:

NM_002332.3(LRP1):c.13467C>T (p.Asp4489=)

Gene: LRP1 (LDL receptor related protein 1; plus strand). Cytogenetic location: 12q13.3.
Variant type: single nucleotide variant.
Coding change: c.13467C>T on transcript NM_002332.3 (MANE Select); coding-DNA position 13467, C replaced by T.
Protein change: p.Asp4489=; no amino-acid change (aspartic acid 4489 retained).
Molecular consequence: synonymous variant.
Genome position (GRCh38, 1-based): chr12:57,212,234, C>T. VCF-style: chr12-57212234-C-T. GRCh37 (hg19) VCF-style: chr12-57606017-C-T.
Identifiers: ClinVar variation 2643129 (VCV002643129.24), dbSNP rs34223830, ClinGen allele CA6645915.
Genomic context (GRCh38, chr12:57,212,234, plus strand): 5'-AAACCCCACCTACAAGATGTACGAAGGCGGAGAGCCTGATGATGTGGGAGGCCTACTGGA[C>T]GCTGACTTTGCCCTGGACCCTGACAAGGTGGGCTGGGAGGCGGGCAGGGTCGAGTGCCAA-3'
Protein context (NP_002323.2, residues 4479-4499): GEPDDVGGLL[Asp4489=]ADFALDPDKP

ClinVar aggregate classification (germline): Likely benign (1 of 4 stars; one submission).

Allele frequency attached by ClinVar (database versions not stated): ESP Exome Variant Server 0.00169; TOPMed 0.00219; gnomAD exomes 0.00251; 1000 Genomes Project 0.00280; 1000 Genomes Project 30x 0.00281; gnomAD 0.00324; ExAC 0.00403.
gnomAD v4.1: 4,196 of 1,613,696 alleles (0.26%); highest among the groups gnomAD compares: Middle Eastern, 0.56%; 26 homozygotes.

Submission:

CeGaT Center for Human Genetics Tuebingen
Classification: Likely benign. Last evaluated: 2022-11-01. Review status: criteria provided, single submitter. Criteria: CeGaT Center For Human Genetics Tuebingen Variant Classification Criteria Version 2. Collection method: clinical testing. Allele origin: germline. Affected: yes. Observed: 6 variant alleles.
Comment: LRP1: BP4, BP7